The following is an entry in ClinVar:

ClinVar aggregate classification (germline): Pathogenic. Review status: criteria provided, multiple submitters, no conflicts (2 of 4 stars). 6 submissions from 6 submitters: Pathogenic (6). Last evaluated 2025-03-05.

Conditions:
Neurofibromatosis, type 1 (NF1). Also called: Peripheral type neurofibromatosis; Neurofibromatosis, type I; VON RECKLINGHAUSEN DISEASE; NEUROFIBROMATOSIS, TYPE I, SOMATIC. Identifiers: Orphanet 636, MedGen C0027831, MONDO:0018975, OMIM 162200. Disease mechanism: loss of function.
Cardiovascular phenotype. Identifiers: MedGen CN230736.
Hereditary cancer-predisposing syndrome. Also called: Hereditary neoplastic syndrome; Tumor predisposition; Hereditary Cancer Syndrome; Neoplastic Syndromes, Hereditary. Identifiers: Orphanet 140162, MedGen C0027672, MeSH D009386, MONDO:0015356.
Juvenile myelomonocytic leukemia (JMML). Also called: LEUKEMIA, JUVENILE MYELOMONOCYTIC, SOMATIC. Identifiers: Orphanet 86834, MedGen C0349639, MONDO:0011908, OMIM 607785, HP:0012209.

Submissions (6):

Labcorp Genetics (formerly Invitae), Labcorp
Classification: Pathogenic for Neurofibromatosis, type 1. Last evaluated: 2025-03-05. Review status: criteria provided, single submitter. Criteria: Invitae Variant Classification Sherloc (09022015). Collection method: clinical testing. Allele origin: germline.
Comment: This sequence change affects a donor splice site in intron 16 of the NF1 gene. RNA analysis indicates that disruption of this splice site induces altered splicing and likely results in a shortened protein product. This variant is not present in population databases (gnomAD no frequency). Disruption of this splice site has been observed in individuals with neurofibromatosis type 1 (PMID: 9195229, 11292340). This variant is also known as c.2056+1G>A. ClinVar contains an entry for this variant (Variation ID: 579615). Studies have shown that disruption of this splice site results in skipping of exons 15-16, but is expected to preserve the integrity of the reading-frame (PMID: 11292340). This variant disrupts a region of the NF1 protein in which other variant(s) (p.His553Arg) have been determined to be pathogenic (PMID: 16944272, 27322474, 27838393). This suggests that this is a clinically significant region of the protein, and that variants that disrupt it are likely to be disease-causing. For these reasons, this variant has been classified as Pathogenic.

Baylor Genetics
Classification: Pathogenic for Juvenile myelomonocytic leukemia. Last evaluated: 2023-11-08. Review status: criteria provided, single submitter. Criteria: ACMG Guidelines, 2015. Collection method: clinical testing. Allele origin: unknown.

GeneDx
Classification: Pathogenic. Last evaluated: 2023-11-08. Review status: criteria provided, single submitter. Criteria: GeneDx Variant Classification Process June 2021. Collection method: clinical testing. Allele origin: germline. Affected: yes.
Comment: Published functional studies demonstrate a damaging effect: Canonical splice variant shown to result in an in-frame deletion of exons 15 and 16, reported as exons 11 and 12a in the literature (PMID: 11292340); Not observed in large population cohorts (gnomAD); This variant is associated with the following publications: (PMID: 29680930, 25525159, 23913538, 10712197, 9195229, 25486365, 11292340, 34418705, 31533651)

Ambry Genetics
Classification: Pathogenic for Cardiovascular phenotype; Hereditary cancer-predisposing syndrome. Last evaluated: 2023-04-27. Review status: criteria provided, single submitter. Criteria: Ambry Variant Classification Scheme 2023. Collection method: clinical testing. Allele origin: germline.
Comment: The c.1845+1G>A intronic pathogenic mutation results from a G to A substitution one nucleotide after coding exon 16 of the NF1 gene. This alteration was detected in individuals with neurofibromatosis type 1 (NF1) (Fang LJ et al. J Mol Biol, 2001 Apr;307:1261-70; Chai P et al. BMC Med Genet, 2019 Sep;20:158). This nucleotide position is highly conserved in available vertebrate species. In silico splice site analysis predicts that this alteration will weaken the native splice donor site. RNA studies have demonstrated that this alteration results in abnormal splicing in the set of samples tested (Fang LJ et al. J Mol Biol, 2001 Apr;307:1261-70; Ambry internal data). This variant is considered to be rare based on population cohorts in the Genome Aggregation Database (gnomAD). Based on the supporting evidence, this alteration is interpreted as a disease-causing mutation.

Genome-Nilou Lab
Classification: Pathogenic for Neurofibromatosis, type 1. Last evaluated: 2022-03-15. Review status: criteria provided, single submitter. Criteria: ACMG Guidelines, 2015. Collection method: clinical testing. Allele origin: germline. Affected: no.

HudsonAlpha Institute for Biotechnology
Classification: Pathogenic for Neurofibromatosis, type 1. Last evaluated: 2021-07-22. Review status: criteria provided, single submitter. Criteria: ACMG Guidelines, 2015. Collection method: research. Allele origin: unknown. Affected: yes. Observed: 1 variant allele. Study: CSER-SouthSeq.
Comment: ACMG codes: PVS1; PM2; PP5

Literature cited by the submitters: PubMed 9195229 (cited by Labcorp Genetics (formerly Invitae), Labcorp); PubMed 11292340 (cited by Labcorp Genetics (formerly Invitae), Labcorp); PubMed 16944272 (cited by Labcorp Genetics (formerly Invitae), Labcorp); PubMed 27322474 (cited by Labcorp Genetics (formerly Invitae), Labcorp); PubMed 27838393 (cited by Labcorp Genetics (formerly Invitae), Labcorp).

NM_001042492.3(NF1):c.1845+1G>A

Gene: NF1 (neurofibromin 1; plus strand). Cytogenetic location: 17q11.2.
Variant type: single nucleotide variant.
Coding change: c.1845+1G>A on transcript NM_001042492.3 (MANE Select); the canonical splice donor site of the intron after coding-DNA position 1845, G replaced by A.
Molecular consequence: splice donor variant.
Genome position (GRCh38, 1-based): chr17:31,223,568, G>A. VCF-style: chr17-31223568-G-A. GRCh37 (hg19) VCF-style: chr17-29550586-G-A.
Other names: c.1845+1G>A (NM_000267.4).
Identifiers: ClinVar variation 579615 (VCV000579615.13), dbSNP rs1567845945, ClinGen allele CA399004784.